The following is an entry in ClinVar:

NM_170662.5(CBLB):c.1620A>G (p.Gln540=)

Gene: CBLB (Cbl proto-oncogene B; minus strand). Cytogenetic location: 3q13.11.
Variant type: single nucleotide variant.
Coding change: c.1620A>G on transcript NM_170662.5 (MANE Select); coding-DNA position 1620, A replaced by G.
Protein change: p.Gln540=; no amino-acid change (glutamine 540 retained).
Molecular consequence: synonymous variant. On other transcripts: non-coding transcript variant (7).
Genome position (GRCh38, 1-based): chr3:105,702,433, T>C on the plus strand (A>G on the coding strand, the complement: CBLB is on the minus strand). VCF-style: chr3-105702433-T-C. GRCh37 (hg19) VCF-style: chr3-105421277-T-C.
Other names: c.1704A>G, p.Gln568= (NM_001321786.1, NM_001321789.1); c.1620A>G, p.Gln540= (NM_001321788.2, NM_001321791.2, NM_001321793.2 and 4 more transcripts); c.1686A>G, p.Gln562= (NM_001321790.2); c.1473A>G, p.Gln491= (NM_001321796.2, NM_001321799.2); c.840A>G, p.Gln280= (NM_001321806.2, NM_001321807.2, NM_001321808.2 and 3 more transcripts); c.432A>G, p.Gln144= (NM_001321820.2); c.291A>G, p.Gln97= (NM_001321822.2).
Identifiers: ClinVar variation 3050124 (VCV003050124.3), dbSNP rs115014051, ClinGen allele CA2524701.

ClinVar aggregate classification (germline): Likely benign. Review status: criteria provided, single submitter (1 of 4 stars). 2 submissions from 2 submitters: Likely benign (1). 1 of the submissions does not count toward it. Last evaluated 2024-10-23.

Conditions:
CBLB-related disorder. Also called: CBLB-related condition.

Allele frequency attached by ClinVar (database versions not stated): 1000 Genomes Project 0.00040; 1000 Genomes Project 30x 0.00047; ExAC 0.00144; gnomAD 0.00144; ESP Exome Variant Server 0.00185; gnomAD exomes 0.00288.
gnomAD v4.1: 4,323 of 1,605,556 alleles (0.27%); highest among the groups gnomAD compares: Non-Finnish European, 0.35%; 6 homozygotes.

Submissions (2):

Blueprint Genetics
Classification: Likely benign. Last evaluated: 2024-10-23. Review status: criteria provided, single submitter. Criteria: ACMG Guidelines, 2015. Collection method: clinical testing. Allele origin: germline.

PreventionGenetics, part of Exact Sciences
Classification: Likely benign for CBLB-related condition. Last evaluated: 2022-07-18. Review status: no assertion criteria provided. Collection method: clinical testing. Allele origin: germline. Not counted in ClinVar's aggregate classification.
Comment: This variant is classified as likely benign based on ACMG/AMP sequence variant interpretation guidelines (Richards et al. 2015 PMID: 25741868, with internal and published modifications).